The following is an entry in ClinVar:

NM_002617.4(PEX10):c.476C>T (p.Ala159Val)

Gene: PEX10 (peroxisomal biogenesis factor 10; minus strand). Cytogenetic location: 1p36.32.
Variant type: single nucleotide variant.
Coding change: c.476C>T on transcript NM_002617.4 (MANE Select); coding-DNA position 476, C replaced by T.
Protein change: p.Ala159Val; replaces alanine 159 with valine.
Molecular consequence: missense variant. On other transcripts: non-coding transcript variant (1).
Genome position (GRCh38, 1-based): chr1:2,408,576, G>A on the plus strand (C>T on the coding strand, the complement: PEX10 is on the minus strand). VCF-style: chr1-2408576-G-A. GRCh37 (hg19) VCF-style: chr1-2340015-G-A.
Other names: c.476C>T, p.Ala159Val (NM_001374425.1, NM_153818.2); c.44C>T, p.Ala15Val (NM_001374426.1, NM_001374427.1); short protein forms A159V, A15V.
Identifiers: ClinVar variation 1958442 (VCV001958442.2), dbSNP rs779337517, ClinGen allele CA538161.

ClinVar aggregate classification (germline): Uncertain significance (1 of 4 stars; one submission).

Conditions:
Peroxisome biogenesis disorder, complementation group 7 (CG7). Also called: Peroxisome biogenesis disorder, complementation group B. Identifiers: MedGen C1864399.

Allele frequency attached by ClinVar (database versions not stated): gnomAD 0.00001; gnomAD exomes 0.00001; TOPMed 0.00001; ExAC 0.00002.
gnomAD v4.1: 15 of 1,611,956 alleles (0.00093%); highest among the groups gnomAD compares: East Asian, 0.0045%; no homozygotes.

Submission:

Labcorp Genetics (formerly Invitae), Labcorp
Classification: Uncertain significance for Peroxisome biogenesis disorder, complementation group 7. Last evaluated: 2022-07-12. Review status: criteria provided, single submitter. Criteria: Invitae Variant Classification Sherloc (09022015). Collection method: clinical testing. Allele origin: germline.
Comment: This sequence change replaces alanine, which is neutral and non-polar, with valine, which is neutral and non-polar, at codon 159 of the PEX10 protein (p.Ala159Val). This variant is present in population databases (rs779337517, gnomAD 0.007%). This variant has not been reported in the literature in individuals affected with PEX10-related conditions. Algorithms developed to predict the effect of missense changes on protein structure and function output the following: SIFT: "Tolerated"; PolyPhen-2: "Benign"; Align-GVGD: "Class C0". The valine amino acid residue is found in multiple mammalian species, which suggests that this missense change does not adversely affect protein function. In summary, the available evidence is currently insufficient to determine the role of this variant in disease. Therefore, it has been classified as a Variant of Uncertain Significance.